The following is an entry in ClinVar:

ClinVar aggregate classification (germline): Conflicting classifications of pathogenicity. Review status: criteria provided, conflicting classifications (1 of 4 stars). 2 submissions from 2 submitters: Uncertain significance (1); Likely benign (1). Last evaluated 2025-12-31.

Conditions:
Kabuki syndrome 1 (KABUK1). Also called: KMT2D-Related Kabuki Syndrome. Identifiers: Orphanet 2322, MedGen CN030661, MONDO:0007843, OMIM 147920.
Kabuki syndrome. Also called: Kabuki make-up syndrome; NIIKAWA-KUROKI SYNDROME. Identifiers: Orphanet 2322, MedGen C0796004, MONDO:0016512.

Submissions (2):

Centre for Medical Genetics,  Mumbai
Classification: Likely benign for Kabuki syndrome 1. Last evaluated: 2025-12-31. Review status: criteria provided, single submitter. Criteria: ACMG Guidelines, 2015. Collection method: provider interpretation. Allele origin: germline. Inheritance: Autosomal dominant inheritance. Affected: no. Observed: 1 homozygote.
Comment: The variant is absent in gnomAD database hence satisfies PM2 criteria. The variant satisfies PP2 criteria: Missense variant in a gene with low rate of benign missense mutations and for which missense mutation is a common mechanism of a disease.

Labcorp Genetics (formerly Invitae), Labcorp
Classification: Uncertain significance for Kabuki syndrome. Last evaluated: 2021-08-23. Review status: criteria provided, single submitter. Criteria: Invitae Variant Classification Sherloc (09022015). Collection method: clinical testing. Allele origin: germline.
Comment: This sequence change replaces aspartic acid with asparagine at codon 4696 of the KMT2D protein (p.Asp4696Asn). The aspartic acid residue is moderately conserved and there is a small physicochemical difference between aspartic acid and asparagine. This variant is not present in population databases (ExAC no frequency). This variant has not been reported in the literature in individuals affected with KMT2D-related conditions. Advanced modeling of protein sequence and biophysical properties (such as structural, functional, and spatial information, amino acid conservation, physicochemical variation, residue mobility, and thermodynamic stability) performed at Invitae indicates that this missense variant is not expected to disrupt KMT2D protein function. In summary, the available evidence is currently insufficient to determine the role of this variant in disease. Therefore, it has been classified as a Variant of Uncertain Significance.

Literature cited by the submitters: PubMed 30107592 (cited by Centre for Medical Genetics,  Mumbai).

NM_003482.4(KMT2D):c.14086G>A (p.Asp4696Asn)

Gene: KMT2D (lysine methyltransferase 2D; minus strand). Cytogenetic location: 12q13.12.
Variant type: single nucleotide variant.
Coding change: c.14086G>A on transcript NM_003482.4 (MANE Select); coding-DNA position 14086, G replaced by A.
Protein change: p.Asp4696Asn; replaces aspartic acid 4696 with asparagine.
Molecular consequence: missense variant.
Genome position (GRCh38, 1-based): chr12:49,029,226, C>T on the plus strand (G>A on the coding strand, the complement: KMT2D is on the minus strand). VCF-style: chr12-49029226-C-T. GRCh37 (hg19) VCF-style: chr12-49423009-C-T.
Other names: short protein forms D4696N.
Identifiers: ClinVar variation 1423826 (VCV001423826.7), dbSNP rs2120394528, ClinGen allele CA384697893.